The following is an entry in ClinVar:

ClinVar aggregate classification (germline): Likely benign. Review status: criteria provided, single submitter (1 of 4 stars). 2 submissions from 2 submitters: Likely benign (1). 1 of the submissions does not count toward it. Last evaluated 2024-11-02.

Conditions:
RTEL1-related disorder. Also called: RTEL1-related condition; RTEL1-related disorders.
Dyskeratosis congenita, autosomal recessive 5 (DKCB5). Identifiers: MedGen C3554656, MONDO:0014076, OMIM 615190.
Pulmonary fibrosis and/or bone marrow failure, Telomere-related, 3. Also called: PULMONARY FIBROSIS AND/OR BONE MARROW FAILURE SYNDROME, TELOMERE-RELATED, 3. Identifiers: Orphanet 2032, MedGen C4225346, MONDO:0014613, OMIM 616373.

Allele frequency attached by ClinVar (database versions not stated): gnomAD exomes 0.00001; TOPMed 0.00001; ExAC 0.00002; gnomAD 0.00003.

Submissions (2):

Labcorp Genetics (formerly Invitae), Labcorp
Classification: Likely benign for Dyskeratosis congenita, autosomal recessive 5; Pulmonary fibrosis and/or bone marrow failure, Telomere-related, 3. Last evaluated: 2024-11-02. Review status: criteria provided, single submitter. Criteria: Invitae Variant Classification Sherloc (09022015). Collection method: clinical testing. Allele origin: germline.

PreventionGenetics, part of Exact Sciences
Classification: Uncertain significance for RTEL1-related condition. Last evaluated: 2024-09-28. Review status: no assertion criteria provided. Collection method: clinical testing. Allele origin: germline. Not counted in ClinVar's aggregate classification.
Comment: The RTEL1 c.449C>T variant is predicted to result in the amino acid substitution p.Thr150Met. This variant was reported in two large cohorts with developmental disorders (Table S1, Kaplanis et al. 2020. PubMed ID: 33057194; Supplementary Data 3, Zhou et al. 2022. PubMed ID: 35982159). This variant is reported in 0.0066% of alleles in individuals of South Asian descent in gnomAD. At this time, the clinical significance of this variant is uncertain due to the absence of conclusive functional and genetic evidence.

NM_001283009.2(RTEL1):c.396-19C>T

Genes: RTEL1-TNFRSF6B (RTEL1-TNFRSF6B readthrough (NMD candidate); plus strand), RTEL1 (regulator of telomere elongation helicase 1; plus strand). Cytogenetic location: 20q13.33.
Variant type: single nucleotide variant.
Coding change: c.396-19C>T on transcript NM_001283009.2 (MANE Select); 19 bases into the intron before coding-DNA position 396, C replaced by T.
Molecular consequence: intron variant. On other transcripts: missense variant (1).
Genome position (GRCh38, 1-based): chr20:63,662,527, C>T. VCF-style: chr20-63662527-C-T. GRCh37 (hg19) VCF-style: chr20-62293880-C-T.
Other names: c.449C>T, p.Thr150Met (NM_032957.5); c.-274-19C>T (NM_001283010.1); c.396-19C>T (NM_016434.4); c.449C>T (NM_032957.4); short protein forms T150M.
Identifiers: ClinVar variation 1567617 (VCV001567617.9), dbSNP rs767850154, ClinGen allele CA9964245.